The following is an entry in ClinVar:

ClinVar aggregate classification (germline): Likely benign (1 of 4 stars; one submission).

gnomAD v4.1: 6 of 1,614,078 alleles (0.00037%); highest among the groups gnomAD compares: Admixed American, 0.0033%; no homozygotes.

Submission:

CeGaT Center for Human Genetics Tuebingen
Classification: Likely benign. Last evaluated: 2026-01-01. Review status: criteria provided, single submitter. Criteria: CeGaT Center For Human Genetics Tuebingen Variant Classification Criteria Version 2. Collection method: clinical testing. Allele origin: germline. Affected: yes. Observed: 1 variant allele.
Comment: KMT2C: BP4

NM_170606.3(KMT2C):c.11290G>A (p.Gly3764Arg)

Gene: KMT2C (lysine methyltransferase 2C; minus strand). Cytogenetic location: 7q36.1.
Variant type: single nucleotide variant.
Coding change: c.11290G>A on transcript NM_170606.3 (MANE Select); coding-DNA position 11290, G replaced by A.
Protein change: p.Gly3764Arg; replaces glycine 3764 with arginine.
Molecular consequence: missense variant.
Genome position (GRCh38, 1-based): chr7:152,162,287, C>T on the plus strand (G>A on the coding strand, the complement: KMT2C is on the minus strand). VCF-style: chr7-152162287-C-T. GRCh37 (hg19) VCF-style: chr7-151859372-C-T.
Other names: short protein forms G3764R.
Identifiers: ClinVar variation 4821966 (VCV004821966.4).